The following is an entry in ClinVar:

NM_000541.5(SAG):c.376-3_376-2del

Gene: SAG (S-antigen visual arrestin; plus strand). Cytogenetic location: 2q37.1.
Variant type: Microsatellite.
Coding change: c.376-3_376-2del on transcript NM_000541.5 (MANE Select); 3 bases into the intron before coding-DNA position 376 through the canonical splice acceptor site of the intron before coding-DNA position 376, 2 bases deleted (CA; older notation c.376-3_376-2delCA).
Molecular consequence: splice acceptor variant.
Genome position (GRCh38, 1-based): chr2:233,322,943-233,322,944, CA deleted; deleting any 2 consecutive bases within chr2:233,322,941-233,322,944 gives the same sequence; the c. name uses the placement nearest the transcript's 3' end. VCF-style (leftmost placement, unchanged base first): chr2-233322940-CCA-C. GRCh37 (hg19) VCF-style: chr2-234231586-CCA-C.
Identifiers: ClinVar variation 1445839 (VCV001445839.6), dbSNP rs1416437325, ClinGen allele CA540038419.

ClinVar aggregate classification (germline): Uncertain significance (1 of 4 stars; one submission).

Submission:

Labcorp Genetics (formerly Invitae), Labcorp
Classification: Uncertain significance. Last evaluated: 2025-09-01. Review status: criteria provided, single submitter. Criteria: Invitae Variant Classification Sherloc (09022015). Collection method: clinical testing. Allele origin: germline.
Comment: This sequence change falls in intron 5 of the SAG gene. It does not directly change the encoded amino acid sequence of the SAG protein. This variant is present in population databases (no rsID available, gnomAD 0.001%). This variant has not been reported in the literature in individuals affected with SAG-related conditions. Experimental studies and prediction algorithms are not available or were not evaluated, and the effect of this variant on mRNA splicing is currently unknown. In summary, the available evidence is currently insufficient to determine the role of this variant in disease. Therefore, it has been classified as a Variant of Uncertain Significance.